The following is an entry in ClinVar:

NM_014712.3(SETD1A):c.2964_2966del (p.Glu988del)

Gene: SETD1A (SET domain containing 1A, histone lysine methyltransferase; plus strand). Cytogenetic location: 16p11.2.
Variant type: Deletion.
Coding change: c.2964_2966del on transcript NM_014712.3 (MANE Select); coding-DNA positions 2964 to 2966, 3 bases deleted (AGA; older notation c.2964_2966delAGA).
Protein change: p.Glu988del; deletes glutamic acid 988.
Molecular consequence: inframe deletion.
Genome position (GRCh38, 1-based): chr16:30,969,637-30,969,639, AGA deleted; deleting any 3 consecutive bases within chr16:30,969,635-30,969,639 gives the same sequence; the c. name uses the placement nearest the transcript's 3' end. VCF-style (leftmost placement, unchanged base first): chr16-30969634-TGAA-T. GRCh37 (hg19) VCF-style: chr16-30980955-TGAA-T.
Other names: short protein forms E988del.
Identifiers: ClinVar variation 2581687 (VCV002581687.1), dbSNP rs2056199846, ClinGen allele CA976324247.

ClinVar aggregate classification (germline): Uncertain significance (1 of 4 stars; one submission).

Submission:

Women's Health and Genetics/Laboratory Corporation of America, LabCorp
Classification: Uncertain significance. Last evaluated: 2023-08-14. Review status: criteria provided, single submitter. Criteria: LabCorp Variant Classification Summary - May 2015. Collection method: clinical testing. Allele origin: germline.
Comment: Variant summary: SETD1A c.2964_2966delAGA (p.Glu988del) results in an in-frame deletion that is predicted to remove one amino acids from the encoded protein. The variant was absent in 251454 control chromosomes. The available data on variant occurrences in the general population are insufficient to allow any conclusion about variant significance. To our knowledge, no occurrence of c.2964_2966delAGA in individuals affected with Neurodevelopmental Disorder With Speech Impairment And Dysmorphic Facies and no experimental evidence demonstrating its impact on protein function have been reported. No submitters have cited clinical-significance assessments for this variant to ClinVar after 2014. Based on the evidence outlined above, the variant was classified as uncertain significance.